The following is an entry in ClinVar:

NM_003954.5(MAP3K14):c.2690C>G (p.Ala897Gly)

Genes: MAP3K14 (mitogen-activated protein kinase kinase kinase 14; minus strand), MAP3K14-AS1 (MAP3K14 antisense RNA 1; plus strand). Cytogenetic location: 17q21.31.
Variant type: single nucleotide variant.
Coding change: c.2690C>G on transcript NM_003954.5 (MANE Select); coding-DNA position 2690, C replaced by G.
Protein change: p.Ala897Gly; replaces alanine 897 with glycine.
Molecular consequence: missense variant.
Genome position (GRCh38, 1-based): chr17:45,264,790, G>C on the plus strand (C>G on the coding strand, the complement: MAP3K14 is on the minus strand). VCF-style: chr17-45264790-G-C. GRCh37 (hg19) VCF-style: chr17-43342157-G-C.
Other names: short protein forms A897G.
Identifiers: ClinVar variation 2006692 (VCV002006692.4), dbSNP rs1168723986, ClinGen allele CA399869902.
Genomic context (GRCh38, chr17:45,264,790, plus strand): 5'-TCTGGCACCTCCATGTCGTAGCGAACAGGCTGCCCGTCTTTGGTGACCAAGCTGAAGGCT[G>C]CAGCTGGGATCTAAGGGTGGAGCAAACCAGTGGGCTGAGATCATGGCATAGGGCTCAAGC-3'
Protein context (NP_003945.2, residues 887-907): ATGISSQIPA[Ala897Gly]AFSLVTKDGQ

ClinVar aggregate classification (germline): Uncertain significance (1 of 4 stars; one submission).

Conditions:
NIK deficiency. Also called: Primary immunodeficiency with multifaceted aberrant lymphoid immunity. Identifiers: Orphanet 447731, MedGen C5680065, MONDO:0018642.

Submission:

Labcorp Genetics (formerly Invitae), Labcorp
Classification: Uncertain significance for NIK deficiency. Last evaluated: 2022-06-14. Review status: criteria provided, single submitter. Criteria: Invitae Variant Classification Sherloc (09022015). Collection method: clinical testing. Allele origin: germline.
Comment: In summary, the available evidence is currently insufficient to determine the role of this variant in disease. Therefore, it has been classified as a Variant of Uncertain Significance. Experimental studies and prediction algorithms are not available or were not evaluated, and the functional significance of this variant is currently unknown. This variant has not been reported in the literature in individuals affected with MAP3K14-related conditions. This variant is not present in population databases (gnomAD no frequency). This sequence change replaces alanine, which is neutral and non-polar, with glycine, which is neutral and non-polar, at codon 897 of the MAP3K14 protein (p.Ala897Gly).